The following is an entry in ClinVar:

ClinVar aggregate classification (germline): Uncertain significance (1 of 4 stars; one submission).

Conditions:
Neurofibromatosis, type 1 (NF1). Also called: Peripheral type neurofibromatosis; VON RECKLINGHAUSEN DISEASE; Neurofibromatosis, type I; NEUROFIBROMATOSIS, TYPE I, SOMATIC. Identifiers: Orphanet 636, MedGen C0027831, MONDO:0018975, OMIM 162200. Disease mechanism: loss of function.

Submission:

Labcorp Genetics (formerly Invitae), Labcorp
Classification: Uncertain significance for Neurofibromatosis, type 1. Last evaluated: 2022-07-05. Review status: criteria provided, single submitter. Criteria: Invitae Variant Classification Sherloc (09022015). Collection method: clinical testing. Allele origin: germline.
Comment: In summary, the available evidence is currently insufficient to determine the role of this variant in disease. Therefore, it has been classified as a Variant of Uncertain Significance. Algorithms developed to predict the effect of sequence changes on RNA splicing suggest that this variant may disrupt the consensus splice site. This variant has not been reported in the literature in individuals affected with NF1-related conditions. This variant is not present in population databases (gnomAD no frequency). This sequence change falls in intron 54 of the NF1 gene. It does not directly change the encoded amino acid sequence of the NF1 protein.

NM_001042492.3(NF1):c.8113+12T>C

Gene: NF1 (neurofibromin 1; plus strand). Cytogenetic location: 17q11.2.
Variant type: single nucleotide variant.
Coding change: c.8113+12T>C on transcript NM_001042492.3 (MANE Select); 12 bases into the intron after coding-DNA position 8113, T replaced by C.
Molecular consequence: intron variant.
Genome position (GRCh38, 1-based): chr17:31,358,634, T>C. VCF-style: chr17-31358634-T-C. GRCh37 (hg19) VCF-style: chr17-29685652-T-C.
Other names: c.8050+12T>C (NM_000267.4).
Identifiers: ClinVar variation 1978619 (VCV001978619.4), dbSNP rs986639200, ClinGen allele CA289711059.